The following is an entry in ClinVar:

ClinVar aggregate classification (germline): Uncertain significance. Review status: criteria provided, multiple submitters, no conflicts (2 of 4 stars). 3 submissions from 3 submitters: Uncertain significance (3). Last evaluated 2025-08-11.

Conditions:
Hereditary cancer-predisposing syndrome. Also called: Neoplastic Syndromes, Hereditary; Tumor predisposition; Hereditary Cancer Syndrome; Hereditary neoplastic syndrome. Identifiers: Orphanet 140162, MedGen C0027672, MeSH D009386, MONDO:0015356.
Hereditary breast ovarian cancer syndrome. Also called: Hereditary breast and ovarian cancer syndrome (HBOC); Hereditary breast and/or ovarian cancer syndrome; Hereditary breast and ovarian cancer; Hereditary breast and ovarian cancer syndrome; BRCA1- and BRCA2-Associated Hereditary Breast and Ovarian Cancer; Breast and ovarian cancer. Identifiers: Orphanet 145, MedGen C0677776, MeSH D061325, MONDO:0003582. Disease mechanism: loss of function.

Submissions (3):

Labcorp Genetics (formerly Invitae), Labcorp
Classification: Uncertain significance for Hereditary breast ovarian cancer syndrome. Last evaluated: 2025-08-11. Review status: criteria provided, single submitter. Criteria: Invitae Variant Classification Sherloc (09022015). Collection method: clinical testing. Allele origin: germline.
Comment: This sequence change replaces glutamine, which is neutral and polar, with lysine, which is basic and polar, at codon 1401 of the BRCA1 protein (p.Gln1401Lys). This variant is not present in population databases (gnomAD no frequency). This variant has not been reported in the literature in individuals affected with BRCA1-related conditions. ClinVar contains an entry for this variant (Variation ID: 2774839). Invitae Evidence Modeling of protein sequence and biophysical properties (such as structural, functional, and spatial information, amino acid conservation, physicochemical variation, residue mobility, and thermodynamic stability) indicates that this missense variant is not expected to disrupt BRCA1 protein function with a negative predictive value of 80%. In summary, the available evidence is currently insufficient to determine the role of this variant in disease. Therefore, it has been classified as a Variant of Uncertain Significance.

Color Diagnostics, LLC DBA Color Health
Classification: Uncertain significance for Hereditary cancer-predisposing syndrome. Last evaluated: 2023-12-08. Review status: criteria provided, single submitter. Criteria: ACMG Guidelines, 2015. Collection method: clinical testing. Allele origin: germline.
Comment: This missense variant replaces glutamine with lysine at codon 1401 of the BRCA1 protein. Computational prediction suggests that this variant may not impact protein structure and function. To our knowledge, functional studies have not been reported for this variant. This variant has not been reported in individuals affected with BRCA1-related disorders in the literature. This variant has not been identified in the general population by the Genome Aggregation Database (gnomAD). The available evidence is insufficient to determine the role of this variant in disease conclusively. Therefore, this variant is classified as a Variant of Uncertain Significance.

Ambry Genetics
Classification: Uncertain significance for Hereditary cancer-predisposing syndrome. Last evaluated: 2023-12-04. Review status: criteria provided, single submitter. Criteria: Ambry Variant Classification Scheme 2023. Collection method: clinical testing. Allele origin: germline.
Comment: The p.Q1401K variant (also known as c.4201C>A), located in coding exon 11 of the BRCA1 gene, results from a C to A substitution at nucleotide position 4201. The glutamine at codon 1401 is replaced by lysine, an amino acid with similar properties. This amino acid position is conserved. In addition, the in silico prediction for this alteration is inconclusive. Since supporting evidence is limited at this time, the clinical significance of this alteration remains unclear.

NM_007294.4(BRCA1):c.4201C>A (p.Gln1401Lys)

Gene: BRCA1 (BRCA1 DNA repair associated; minus strand). Cytogenetic location: 17q21.31.
Variant type: single nucleotide variant.
Coding change: c.4201C>A on transcript NM_007294.4 (MANE Select); coding-DNA position 4201, C replaced by A.
Protein change: p.Gln1401Lys; replaces glutamine 1401 with lysine.
Molecular consequence: missense variant.
Genome position (GRCh38, 1-based): chr17:43,082,560, G>T on the plus strand (C>A on the coding strand, the complement: BRCA1 is on the minus strand). VCF-style: chr17-43082560-G-T. GRCh37 (hg19) VCF-style: chr17-41234577-G-T.
Other names: c.751C>A, p.Gln251Lys (NM_001408458.1, NM_001408459.1, NM_001408460.1 and 8 more transcripts); c.4057C>A, p.Gln1353Lys (NM_001407746.1, NM_001407747.1, NM_001407748.1 and 23 more transcripts); c.748C>A, p.Gln250Lys (NM_001408465.1, NM_001408462.1, NM_001408463.1 and 5 more transcripts); c.3988C>A, p.Gln1330Lys (NM_001407896.1, NM_001407897.1, NM_001407898.1 and 12 more transcripts); c.3991C>A, p.Gln1331Lys (NM_001407900.1, NM_001407902.1, NM_001407904.1 and 9 more transcripts); c.3985C>A, p.Gln1329Lys (NM_001407915.1); c.4078C>A, p.Gln1360Lys (NM_001407919.1, NM_001407937.1, NM_001407938.1 and 13 more transcripts); c.3937C>A, p.Gln1313Lys (NM_001407920.1, NM_001407921.1, NM_001407922.1 and 7 more transcripts); and 51 more; short protein forms Q1273K, Q130K, Q1311K, Q1312K, Q1329K, Q1353K, Q1354K, Q1358K.
Identifiers: ClinVar variation 2774839 (VCV002774839.4), dbSNP rs397509151, ClinGen allele CA10593319.